The following is an entry in ClinVar:

ClinVar aggregate classification (germline): Likely benign. Review status: criteria provided, multiple submitters, no conflicts (2 of 4 stars). 3 submissions from 3 submitters: Likely benign (3). Last evaluated 2025-06-22.

Conditions:
Andersen Tawil syndrome (LQT7). Also called: Potassium-sensitive periodic paralysis, ventricular ectopy, and dysmorphic features; ANDERSEN CARDIODYSRHYTHMIC PERIODIC PARALYSIS; Andersen Syndrome; LONG QT SYNDROME 7; PERIODIC PARALYSIS, POTASSIUM-SENSITIVE CARDIODYSRHYTHMIC TYPE. Identifiers: Orphanet 37553, MedGen C1563715, MONDO:0008222, OMIM 170390.
Short QT syndrome type 3. Identifiers: Orphanet 51083, MedGen C1865018, MONDO:0012314, OMIM 609622.
Cardiovascular phenotype. Identifiers: MedGen CN230736.

Allele frequency attached by ClinVar (database versions not stated): gnomAD 0.00003 and 0.00004; ExAC 0.00004; gnomAD exomes 0.00004.
gnomAD v4.1: 49 of 1,614,088 alleles (0.003%); highest among the groups gnomAD compares: Non-Finnish European, 0.0036%; no homozygotes.

Submissions (3):

Labcorp Genetics (formerly Invitae), Labcorp
Classification: Likely benign for Short QT syndrome type 3; Andersen Tawil syndrome. Last evaluated: 2025-06-22. Review status: criteria provided, single submitter. Criteria: Invitae Variant Classification Sherloc (09022015). Collection method: clinical testing. Allele origin: germline.

Ambry Genetics
Classification: Likely benign for Cardiovascular phenotype. Last evaluated: 2023-07-27. Review status: criteria provided, single submitter. Criteria: Ambry Variant Classification Scheme 2023. Collection method: clinical testing. Allele origin: germline.

CeGaT Center for Human Genetics Tuebingen
Classification: Likely benign. Last evaluated: 2023-05-01. Review status: criteria provided, single submitter. Criteria: CeGaT Center For Human Genetics Tuebingen Variant Classification Criteria Version 2. Collection method: clinical testing. Allele origin: germline. Affected: yes. Observed: 1 variant allele.
Comment: KCNJ2: BP4, BP7

NM_000891.3(KCNJ2):c.597C>T (p.Ala199=)

Gene: KCNJ2 (potassium inwardly rectifying channel subfamily J member 2; plus strand). Cytogenetic location: 17q24.3.
Variant type: single nucleotide variant.
Coding change: c.597C>T on transcript NM_000891.3 (MANE Select); coding-DNA position 597, C replaced by T.
Protein change: p.Ala199=; no amino-acid change (alanine 199 retained).
Molecular consequence: synonymous variant.
Genome position (GRCh38, 1-based): chr17:70,175,636, C>T. VCF-style: chr17-70175636-C-T. GRCh37 (hg19) VCF-style: chr17-68171777-C-T.
Other names: c.597C>T (NM_000891.2).
Identifiers: ClinVar variation 1106219 (VCV001106219.34), dbSNP rs771056622, ClinGen allele CA8738747.